The following is an entry in ClinVar:

NM_003041.4(SLC5A2):c.1969G>A (p.Ala657Thr)

Genes: RUSF1 (RUS family member 1; minus strand), SLC5A2 (solute carrier family 5 member 2; plus strand). Cytogenetic location: 16p11.2.
Variant type: single nucleotide variant.
Coding change: c.1969G>A on transcript NM_003041.4 (MANE Select); coding-DNA position 1969, G replaced by A.
Protein change: p.Ala657Thr; replaces alanine 657 with threonine.
Molecular consequence: missense variant. On other transcripts: 3 prime UTR variant (1), non-coding transcript variant (1).
Genome position (GRCh38, 1-based): chr16:31,490,485, G>A. VCF-style: chr16-31490485-G-A. GRCh37 (hg19) VCF-style: chr16-31501806-G-A.
Other names: c.*350C>T (NM_022744.4); short protein forms A657T.
Identifiers: ClinVar variation 4282126 (VCV004282126.1).

ClinVar aggregate classification (germline): Uncertain significance (1 of 4 stars; one submission).

Submission:

GeneDx
Classification: Uncertain significance. Last evaluated: 2025-04-16. Review status: criteria provided, single submitter. Criteria: GeneDx Variant Classification Process June 2021. Collection method: clinical testing. Allele origin: germline. Affected: yes.
Comment: Not observed at significant frequency in large population cohorts (gnomAD); In silico analysis supports that this missense variant has a deleterious effect on protein structure/function; Has not been previously published as pathogenic or benign to our knowledge